The following is an entry in ClinVar:

NM_000535.7(PMS2):c.2276-3T>C

Gene: PMS2 (PMS1 homolog 2, mismatch repair system component; minus strand). Cytogenetic location: 7p22.1.
Variant type: single nucleotide variant.
Coding change: c.2276-3T>C on transcript NM_000535.7 (MANE Select); 3 bases into the intron before coding-DNA position 2276, T replaced by C.
Molecular consequence: intron variant. On other transcripts: missense variant (2).
Genome position (GRCh38, 1-based): chr7:5,977,760, A>G on the plus strand (T>C on the coding strand, the complement: PMS2 is on the minus strand). VCF-style: chr7-5977760-A-G. GRCh37 (hg19) VCF-style: chr7-6017391-A-G.
Other names: c.1901T>C, p.Leu634Ser (NM_001322009.2); c.2306T>C, p.Leu769Ser (NM_001322014.2); c.1958-3T>C (NM_001322008.2, NM_001322007.2); c.1715-3T>C (NM_001322010.2); c.1871-3T>C (NM_001322004.2, NM_001322003.2, NM_001322005.2); c.1703-3T>C (NM_001322013.2); c.1343-3T>C (NM_001322012.2, NM_001322011.2); c.1967-3T>C (NM_001322015.2); and 1 more; short protein forms L634S, L769S.
Identifiers: ClinVar variation 820934 (VCV000820934.16), dbSNP rs1583281760, ClinGen allele CA915944850.

ClinVar aggregate classification (germline): Conflicting classifications of pathogenicity. Review status: criteria provided, conflicting classifications (1 of 4 stars). 3 submissions from 3 submitters: Uncertain significance (2); Likely benign (1). Last evaluated 2026-02-12.

Conditions:
Hereditary cancer-predisposing syndrome. Also called: Tumor predisposition; Neoplastic Syndromes, Hereditary; Hereditary Cancer Syndrome; Hereditary neoplastic syndrome. Identifiers: Orphanet 140162, MedGen C0027672, MeSH D009386, MONDO:0015356.
Lynch syndrome 4 (LYNCH4). Also called: Hereditary non-polyposis colorectal cancer, type 4; Colorectal cancer, hereditary nonpolyposis, type 4. Identifiers: Orphanet 144, MedGen C1838333, MONDO:0013699, OMIM 614337. Disease mechanism: loss of function.
Hereditary nonpolyposis colorectal neoplasms. Identifiers: MedGen C0009405, MeSH D003123.

Submissions (3):

Ambry Genetics
Classification: Uncertain significance for Hereditary cancer-predisposing syndrome. Last evaluated: 2026-02-12. Review status: criteria provided, single submitter. Criteria: Ambry Variant Classification Scheme 2023. Collection method: clinical testing. Allele origin: germline.
Comment: The c.2276-3T>C intronic variant results from a T to C substitution 3 nucleotides upstream from coding exon 14 in the PMS2 gene. This nucleotide position is not well conserved in available vertebrate species. In silico splice site analysis predicts that this alteration will not have any significant effect on splicing. Based on the available evidence, the clinical significance of this variant remains unclear.

Myriad Genetics, Inc.
Classification: Likely benign for Lynch syndrome 4. Last evaluated: 2025-02-03. Review status: criteria provided, single submitter. Criteria: Myriad Autosomal Dominant, Autosomal Recessive and X-Linked Classification Criteria (2023). Collection method: clinical testing. Allele origin: unknown.
Comment: This variant is considered likely benign. This variant is intronic and is not expected to impact mRNA splicing.

Labcorp Genetics (formerly Invitae), Labcorp
Classification: Uncertain significance for Hereditary nonpolyposis colorectal neoplasms. Last evaluated: 2024-10-03. Review status: criteria provided, single submitter. Criteria: Invitae Variant Classification Sherloc (09022015). Collection method: clinical testing. Allele origin: germline.
Comment: This sequence change falls in intron 13 of the PMS2 gene. It does not directly change the encoded amino acid sequence of the PMS2 protein. It affects a nucleotide within the consensus splice site. The frequency data for this variant in the population databases (gnomAD) is considered unreliable due to the presence of homologous sequence, such as pseudogenes or paralogs, in the genome. This variant has not been reported in the literature in individuals affected with PMS2-related conditions. ClinVar contains an entry for this variant (Variation ID: 820934). Variants that disrupt the consensus splice site are a relatively common cause of aberrant splicing (PMID: 17576681, 9536098). Algorithms developed to predict the effect of sequence changes on RNA splicing suggest that this variant is not likely to affect RNA splicing. In summary, the available evidence is currently insufficient to determine the role of this variant in disease. Therefore, it has been classified as a Variant of Uncertain Significance.

Literature cited by the submitters: PubMed 17576681 (cited by Labcorp Genetics (formerly Invitae), Labcorp); PubMed 9536098 (cited by Labcorp Genetics (formerly Invitae), Labcorp).